The following is an entry in ClinVar:

ClinVar aggregate classification (germline): Likely pathogenic (1 of 4 stars; one submission).

Conditions:
Hereditary cancer-predisposing syndrome. Also called: Hereditary Cancer Syndrome; Hereditary neoplastic syndrome; Neoplastic Syndromes, Hereditary; Tumor predisposition. Identifiers: Orphanet 140162, MedGen C0027672, MeSH D009386, MONDO:0015356.

Submission:

Sema4
Classification: Likely pathogenic for Hereditary cancer-predisposing syndrome. Last evaluated: 2021-10-29. Review status: criteria provided, single submitter. Criteria: Sema4 Curation Guidelines. Collection method: curation. Allele origin: germline.
Comment: The VHL c.123_126delAGAG (p.E41DfsX25) variant has not been reported in the literature to our knowledge. This variant causes a frameshift at amino acid 41 that results in premature termination 25 amino acids downstream. At this location, this is predicted to cause nonsense-mediated decay and result in an absent protein (loss of function). This variant is not reported in the population database Genome Aggregation Database (PMID: 32461654) and is not reported in ClinVar. Based on the current evidence available, this variant is interpreted as likely pathogenic.

NM_000551.4(VHL):c.123_126del (p.Glu41fs)

Gene: VHL (von Hippel-Lindau tumor suppressor; plus strand). Cytogenetic location: 3p25.3.
Variant type: Deletion.
Coding change: c.123_126del on transcript NM_000551.4 (MANE Select); coding-DNA positions 123 to 126, 4 bases deleted (AGAG; older notation c.123_126delAGAG).
Protein change: p.Glu41fs; shifts the reading frame from glutamic acid 41.
Molecular consequence: frameshift variant.
Genome position (GRCh38, 1-based): chr3:10,141,970-10,141,973, AGAG deleted. VCF-style (leftmost placement, unchanged base first): chr3-10141969-AAGAG-A. GRCh37 (hg19) VCF-style: chr3-10183653-AAGAG-A.
Other names: c.123_126del, p.Glu41fs (NM_001354723.2, NM_198156.3); short protein forms E41fs.
Identifiers: ClinVar variation 1692515 (VCV001692515.1), dbSNP rs2125124755, ClinGen allele CA2573136081.
Genomic context (GRCh38, chr3:10,141,969, plus strand): 5'-AAGAGTACGGCCCTGAAGAAGACGGCGGGGAGGAGTCGGGCGCCGAGGAGTCCGGCCCGG[AAGAG>A]TCCGGCCCGGAGGAACTGGGCGCCGAGGAGGAGATGGAGGCCGGGCGGCCGCGGCCCGTG-3'